The following is an entry in ClinVar:

ClinVar aggregate classification (germline): Uncertain significance (1 of 4 stars; one submission).

Allele frequency attached by ClinVar (database versions not stated): gnomAD exomes below 0.00001; ExAC 0.00001.
gnomAD v4.1: 1 of 1,210,130 alleles (0.000083%); highest among the groups gnomAD compares: Non-Finnish European, 0.00011%; no homozygotes.

Submission:

Labcorp Genetics (formerly Invitae), Labcorp
Classification: Uncertain significance. Last evaluated: 2024-09-23. Review status: criteria provided, single submitter. Criteria: Invitae Variant Classification Sherloc (09022015). Collection method: clinical testing. Allele origin: germline.
Comment: This sequence change replaces alanine, which is neutral and non-polar, with glycine, which is neutral and non-polar, at codon 1078 of the CACNA1F protein (p.Ala1078Gly). This variant is present in population databases (rs781783601, gnomAD 0.001%). This variant has not been reported in the literature in individuals affected with CACNA1F-related conditions. Invitae Evidence Modeling of protein sequence and biophysical properties (such as structural, functional, and spatial information, amino acid conservation, physicochemical variation, residue mobility, and thermodynamic stability) has been performed for this missense variant. However, the output from this modeling did not meet the statistical confidence thresholds required to predict the impact of this variant on CACNA1F protein function. In summary, the available evidence is currently insufficient to determine the role of this variant in disease. Therefore, it has been classified as a Variant of Uncertain Significance.

NM_001256789.3(CACNA1F):c.3200C>G (p.Ala1067Gly)

Gene: CACNA1F (calcium voltage-gated channel subunit alpha1 F; minus strand). Cytogenetic location: Xp11.23.
Variant type: single nucleotide variant.
Coding change: c.3200C>G on transcript NM_001256789.3 (MANE Select); coding-DNA position 3200, C replaced by G.
Protein change: p.Ala1067Gly; replaces alanine 1067 with glycine.
Molecular consequence: missense variant.
Genome position (GRCh38, 1-based): chrX:49,216,418, G>C on the plus strand (C>G on the coding strand, the complement: CACNA1F is on the minus strand). VCF-style: chrX-49216418-G-C. GRCh37 (hg19) VCF-style: chrX-49072878-G-C.
Other names: c.3038C>G, p.Ala1013Gly (NM_001256790.3); c.3233C>G, p.Ala1078Gly (NM_005183.4); short protein forms A1067G, A1013G, A1078G.
Identifiers: ClinVar variation 2971278 (VCV002971278.3), dbSNP rs781783601, ClinGen allele CA10410515.